The following is an entry in ClinVar:

ClinVar aggregate classification (germline): Likely benign. Review status: criteria provided, multiple submitters, no conflicts (2 of 4 stars). 2 submissions from 2 submitters: Likely benign (2). Last evaluated 2025-08-20.

Conditions:
Hereditary diffuse gastric adenocarcinoma (HDGC). Also called: DIFFUSE GASTRIC AND LOBULAR BREAST CANCER SYNDROME. Identifiers: Orphanet 26106, MedGen C1708349, MONDO:0007648, OMIM 137215.

gnomAD v4.1: 1 of 1,607,684 alleles (0.000062%); highest among the groups gnomAD compares: African/African-American, 0.0013%; no homozygotes.

Submissions (2):

Labcorp Genetics (formerly Invitae), Labcorp
Classification: Likely benign for Hereditary diffuse gastric adenocarcinoma. Last evaluated: 2025-08-20. Review status: criteria provided, single submitter. Criteria: Invitae Variant Classification Sherloc (09022015). Collection method: clinical testing. Allele origin: germline.

Myriad Genetics, Inc.
Classification: Likely benign for Hereditary diffuse gastric adenocarcinoma. Last evaluated: 2024-09-12. Review status: criteria provided, single submitter. Criteria: Myriad Autosomal Dominant, Autosomal Recessive and X-Linked Classification Criteria (2023). Collection method: clinical testing. Allele origin: unknown.
Comment: This variant is considered likely benign. This variant is intronic and is not expected to impact mRNA splicing.

NM_004360.5(CDH1):c.164-9G>A

Gene: CDH1 (cadherin 1; plus strand). Cytogenetic location: 16q22.1.
Variant type: single nucleotide variant.
Coding change: c.164-9G>A on transcript NM_004360.5 (MANE Select); 9 bases into the intron before coding-DNA position 164, G replaced by A.
Molecular consequence: intron variant.
Genome position (GRCh38, 1-based): chr16:68,801,661, G>A. VCF-style: chr16-68801661-G-A. GRCh37 (hg19) VCF-style: chr16-68835564-G-A.
Other names: c.-1452-9G>A (NM_001317185.2); c.-1656-9G>A (NM_001317186.2); c.164-9G>A (NM_001317184.2).
Identifiers: ClinVar variation 3378586 (VCV003378586.2).
Genomic context (GRCh38, chr16:68,801,661, plus strand): 5'-CTTTGGAGAAGGAATGCTCTTGTCTTTAATCTGTCCAATTTCCTAATCTCTGTGATTTCT[G>A]CCCTGCAGTGAATTTTGAAGATTGCACCGGTCGACAAAGGACAGCCTATTTTTCCCTCGA-3'